The following is an entry in ClinVar:

NM_007194.4(CHEK2):c.1610C>T (p.Ala537Val)

Gene: CHEK2 (checkpoint kinase 2; minus strand). Cytogenetic location: 22q12.1.
Variant type: single nucleotide variant.
Coding change: c.1610C>T on transcript NM_007194.4 (MANE Select); coding-DNA position 1610, C replaced by T.
Protein change: p.Ala537Val; replaces alanine 537 with valine.
Molecular consequence: missense variant.
Genome position (GRCh38, 1-based): chr22:28,687,919, G>A on the plus strand (C>T on the coding strand, the complement: CHEK2 is on the minus strand). VCF-style: chr22-28687919-G-A. GRCh37 (hg19) VCF-style: chr22-29083907-G-A.
Other names: c.1739C>T, p.Ala580Val (NM_001005735.3); c.947C>T, p.Ala316Val (NM_001257387.3); c.1409C>T, p.Ala470Val (NM_001349956.3); c.1523C>T, p.Ala508Val (NM_145862.3); short protein forms A537V, A508V, A580V, A470V, A316V.
Identifiers: ClinVar variation 422506 (VCV000422506.13), dbSNP rs1064795821, ClinGen allele CA16621042.

ClinVar aggregate classification (germline): Conflicting classifications of pathogenicity. Review status: criteria provided, conflicting classifications (1 of 4 stars). 4 submissions from 4 submitters: Uncertain significance (3); Likely benign (1). Last evaluated 2025-03-25.

Conditions:
Hereditary cancer-predisposing syndrome. Also called: Hereditary neoplastic syndrome; Neoplastic Syndromes, Hereditary; Tumor predisposition; Hereditary Cancer Syndrome. Identifiers: Orphanet 140162, MedGen C0027672, MeSH D009386, MONDO:0015356.
Familial cancer of breast. Also called: Hereditary breast cancer; BREAST CANCER, FAMILIAL; hereditary breast carcinoma. Identifiers: Orphanet 227535, MedGen C0346153, MONDO:0016419, OMIM 114480. Disease mechanism: loss of function.

Submissions (4):

Ambry Genetics
Classification: Likely benign for Hereditary cancer-predisposing syndrome. Last evaluated: 2025-03-25. Review status: criteria provided, single submitter. Criteria: Ambry Variant Classification Scheme 2023. Collection method: clinical testing. Allele origin: germline.

Labcorp Genetics (formerly Invitae), Labcorp
Classification: Uncertain significance for Familial cancer of breast. Last evaluated: 2024-08-31. Review status: criteria provided, single submitter. Criteria: Invitae Variant Classification Sherloc (09022015). Collection method: clinical testing. Allele origin: germline.
Comment: This sequence change replaces alanine, which is neutral and non-polar, with valine, which is neutral and non-polar, at codon 537 of the CHEK2 protein (p.Ala537Val). This variant is not present in population databases (gnomAD no frequency). This variant has not been reported in the literature in individuals affected with CHEK2-related conditions. ClinVar contains an entry for this variant (Variation ID: 422506). An algorithm developed to predict the effect of missense changes on protein structure and function (PolyPhen-2) suggests that this variant is likely to be tolerated. In summary, the available evidence is currently insufficient to determine the role of this variant in disease. Therefore, it has been classified as a Variant of Uncertain Significance.

Baylor Genetics
Classification: Uncertain significance for Familial cancer of breast. Last evaluated: 2024-02-06. Review status: criteria provided, single submitter. Criteria: ACMG Guidelines, 2015. Collection method: clinical testing. Allele origin: unknown.

GeneDx
Classification: Uncertain significance. Last evaluated: 2016-10-14. Review status: criteria provided, single submitter. Criteria: GeneDx Variant Classification (06012015). Collection method: clinical testing. Allele origin: germline. Affected: yes.
Comment: This variant is denoted CHEK2 c.1610C>T at the cDNA level, p.Ala537Val (A537V) at the protein level, and results in the change of an Alanine to a Valine (GCT>GTT). This variant has not, to our knowledge, been published in the literature as pathogenic or benign. CHEK2 Ala537Val was not observed in approximately 3,700 individuals of European and African American ancestry in the NHLBI Exome Sequencing Project, suggesting it is not a common benign variant in these populations. Since Alanine and Valine share similar properties, this is considered a conservative amino acid substitution. CHEK2 Ala537Val occurs at a position that is not conserved and is not located in a known functional domain (Roeb 2012). In silico analyses are inconsistent regarding the effect this variant may have on protein structure and function. Based on currently available evidence, it is unclear whether CHEK2 Ala537Val is a pathogenic or benign variant. We consider it to be a variant of uncertain significance.